The following is an entry in ClinVar:

NM_014754.3(PTDSS1):c.701T>G (p.Met234Arg)

Gene: PTDSS1 (phosphatidylserine synthase 1; plus strand). Cytogenetic location: 8q22.1.
Variant type: single nucleotide variant.
Coding change: c.701T>G on transcript NM_014754.3 (MANE Select); coding-DNA position 701, T replaced by G.
Protein change: p.Met234Arg; replaces methionine 234 with arginine.
Molecular consequence: missense variant.
Genome position (GRCh38, 1-based): chr8:96,299,794, T>G. VCF-style: chr8-96299794-T-G. GRCh37 (hg19) VCF-style: chr8-97312022-T-G.
Other names: c.263T>G, p.Met88Arg (NM_001290225.2); short protein forms M234R, M88R.
Identifiers: ClinVar variation 3361327 (VCV003361327.1).

ClinVar aggregate classification (germline): Uncertain significance (1 of 4 stars; one submission).

Submission:

GeneDx
Classification: Uncertain significance. Last evaluated: 2023-07-21. Review status: criteria provided, single submitter. Criteria: GeneDx Variant Classification Process June 2021. Collection method: clinical testing. Allele origin: germline. Affected: yes.
Comment: Not observed at significant frequency in large population cohorts (gnomAD); In silico analysis supports that this missense variant has a deleterious effect on protein structure/function; Has not been previously published as pathogenic or benign to our knowledge